The following is an entry in ClinVar:

NM_001372044.2(SHANK3):c.5057C>G (p.Ser1686Trp)

Gene: SHANK3 (SH3 and multiple ankyrin repeat domains 3; plus strand). Cytogenetic location: 22q13.33.
Variant type: single nucleotide variant.
Coding change: c.5057C>G on transcript NM_001372044.2 (MANE Select); coding-DNA position 5057, C replaced by G.
Protein change: p.Ser1686Trp; replaces serine 1686 with tryptophan.
Molecular consequence: missense variant.
Genome position (GRCh38, 1-based): chr22:50,730,948, C>G. VCF-style: chr22-50730948-C-G. GRCh37 (hg19) VCF-style: chr22-51169376-C-G.
Other names: c.4832C>G (NM_033517.1); short protein forms S1686W.
Identifiers: ClinVar variation 996092 (VCV000996092.3), dbSNP rs2083359701, ClinGen allele CA515266937.

ClinVar aggregate classification (germline): Uncertain significance. Review status: criteria provided, multiple submitters, no conflicts (2 of 4 stars). 2 submissions from 2 submitters: Uncertain significance (2). Last evaluated 2021-01-19.

Conditions:
Phelan-McDermid syndrome. Also called: TELOMERIC 22q13 MONOSOMY SYNDROME; 22q13.3 deletion syndrome; Phelan-McDermid Syndrome-SHANK3 Related. Identifiers: Orphanet 48652, MedGen C1853490, MONDO:0011652, OMIM 606232.

Submissions (2):

Johns Hopkins Genomics, Johns Hopkins University
Classification: Uncertain significance for Phelan-McDermid syndrome. Last evaluated: 2021-01-19. Review status: criteria provided, single submitter. Criteria: ACMG Guidelines, 2015. Collection method: clinical testing. Allele origin: germline.

GeneDx
Classification: Uncertain significance. Last evaluated: 2019-11-01. Review status: criteria provided, single submitter. Criteria: GeneDx Variant Classification Process June 2021. Collection method: clinical testing. Allele origin: germline. Affected: yes.
Comment: Not observed in large population cohorts (Lek et al., 2016); In silico analysis, which includes protein predictors and evolutionary conservation, supports a deleterious effect; Has not been previously published as pathogenic or benign to our knowledge